The following is an entry in ClinVar:

ClinVar aggregate classification (germline): Pathogenic/Likely pathogenic. Review status: criteria provided, multiple submitters, no conflicts (2 of 4 stars). 4 submissions from 4 submitters: Pathogenic (1); Likely pathogenic (2). 1 of the submissions does not count toward it. Last evaluated 2025-03-03.

Conditions:
Mitochondrial trifunctional protein deficiency. Identifiers: Orphanet 746, MedGen C1969443, MONDO:0012172.
Long chain 3-hydroxyacyl-CoA dehydrogenase deficiency. Also called: LCHAD Deficiency; Deficiency of long-chain 3-hydroxyacyl-coenzyme A dehydrogenase. Identifiers: Orphanet 5, MedGen C3711645, MONDO:0012173, OMIM 609016.

Allele frequency attached by ClinVar (database versions not stated): gnomAD exomes 0.00001.
gnomAD v4.1: 3 of 1,609,348 alleles (0.00019%); highest among the groups gnomAD compares: South Asian, 0.0033%; no homozygotes.

Submissions (4):

Natera, Inc.
Classification: Likely pathogenic for Deficiency of long-chain 3-hydroxyacyl-coenzyme A dehydrogenase. Last evaluated: 2025-03-03. Review status: criteria provided, single submitter. Criteria: Natera Variant Classification Schema (03/2026). Collection method: clinical testing. Allele origin: germline.
Comment: The c.1237A>T variant in HADHA is a nonsense variant predicted to introduce a stop codon at amino acid 413. This variant is expected to result in nonsense mediated decay, truncation, or a dysfunctional protein product. This variant is rare in the general population with a frequency below the threshold expected for the associated phenotype(s). Given the available evidence, this variant is classified as Likely Pathogenic.

Labcorp Genetics (formerly Invitae), Labcorp
Classification: Pathogenic for Mitochondrial trifunctional protein deficiency; Long chain 3-hydroxyacyl-CoA dehydrogenase deficiency. Last evaluated: 2023-11-19. Review status: criteria provided, single submitter. Criteria: Invitae Variant Classification Sherloc (09022015). Collection method: clinical testing. Allele origin: germline.
Comment: This sequence change creates a premature translational stop signal (p.Lys413*) in the HADHA gene. It is expected to result in an absent or disrupted protein product. Loss-of-function variants in HADHA are known to be pathogenic (PMID: 7738175, 21103935, 21549624, 22459206). This variant is present in population databases (no rsID available, gnomAD 0.006%). This variant has not been reported in the literature in individuals affected with HADHA-related conditions. ClinVar contains an entry for this variant (Variation ID: 370401). For these reasons, this variant has been classified as Pathogenic.

Baylor Genetics
Classification: Likely pathogenic for Long chain 3-hydroxyacyl-CoA dehydrogenase deficiency. Last evaluated: 2022-03-29. Review status: criteria provided, single submitter. Criteria: ACMG Guidelines, 2015. Collection method: clinical testing. Allele origin: unknown.

Counsyl
Classification: Likely pathogenic for Long chain 3-hydroxyacyl-CoA dehydrogenase deficiency. Last evaluated: 2016-02-02. Review status: no assertion criteria provided. Collection method: clinical testing. Allele origin: unknown. Not counted in ClinVar's aggregate classification.

Literature cited by the submitters: PubMed 7738175 (cited by Labcorp Genetics (formerly Invitae), Labcorp); PubMed 21103935 (cited by Labcorp Genetics (formerly Invitae), Labcorp); PubMed 21549624 (cited by Labcorp Genetics (formerly Invitae), Labcorp); PubMed 22459206 (cited by Labcorp Genetics (formerly Invitae), Labcorp).

NM_000182.5(HADHA):c.1237A>T (p.Lys413Ter)

Genes: GAREM2 (GRB2 associated regulator of MAPK1 subtype 2; plus strand), HADHA (hydroxyacyl-CoA dehydrogenase trifunctional multienzyme complex subunit alpha; minus strand). Cytogenetic location: 2p23.3.
Variant type: single nucleotide variant.
Coding change: c.1237A>T on transcript NM_000182.5 (MANE Select); coding-DNA position 1237, A replaced by T.
Protein change: p.Lys413Ter; replaces lysine 413 with a stop codon.
Molecular consequence: nonsense.
Genome position (GRCh38, 1-based): chr2:26,201,304, T>A on the plus strand (A>T on the coding strand, the complement: HADHA is on the minus strand). VCF-style: chr2-26201304-T-A. GRCh37 (hg19) VCF-style: chr2-26424173-T-A.
Other names: short protein forms K413*.
Identifiers: ClinVar variation 370401 (VCV000370401.8), dbSNP rs1057516461, ClinGen allele CA16040875.
Genomic context (GRCh38, chr2:26,201,304, plus strand): 5'-GCTGCCCAGTCAAGTTGCTGAAGATGGAATCCCTTTCAAATGATGTTAGAGCTTTCTTCT[T>A]CACTTTGTCATTCAATCTAGAAAAAACACATTCCTAGTTAGATGGGAAGAAAAGGAAACT-3'